The following is an entry in ClinVar:

ClinVar aggregate classification (germline): Uncertain significance. Review status: criteria provided, multiple submitters, no conflicts (2 of 4 stars). 3 submissions from 3 submitters: Uncertain significance (3). Last evaluated 2025-04-04.

Conditions:
Osteogenesis imperfecta (OI). Identifiers: Orphanet 666, MedGen C0029434, MeSH D010013, MONDO:0019019.
Inborn genetic diseases. Identifiers: MedGen C0950123, MeSH D030342.

Allele frequency attached by ClinVar (database versions not stated): ExAC 0.00004; gnomAD exomes 0.00007 and 0.00016; TOPMed 0.00009; gnomAD 0.00012 and 0.00013; ESP Exome Variant Server 0.00015.

Submissions (3):

Ambry Genetics
Classification: Uncertain significance for Inborn genetic diseases. Last evaluated: 2025-04-04. Review status: criteria provided, single submitter. Criteria: Ambry Variant Classification Scheme 2023. Collection method: clinical testing. Allele origin: germline.

Labcorp Genetics (formerly Invitae), Labcorp
Classification: Uncertain significance. Last evaluated: 2024-01-02. Review status: criteria provided, single submitter. Criteria: Invitae Variant Classification Sherloc (09022015). Collection method: clinical testing. Allele origin: germline.
Comment: This sequence change replaces leucine, which is neutral and non-polar, with phenylalanine, which is neutral and non-polar, at codon 179 of the WNT1 protein (p.Leu179Phe). This variant is present in population databases (rs377240313, gnomAD 0.01%). This variant has not been reported in the literature in individuals affected with WNT1-related conditions. ClinVar contains an entry for this variant (Variation ID: 1702073). Advanced modeling of protein sequence and biophysical properties (such as structural, functional, and spatial information, amino acid conservation, physicochemical variation, residue mobility, and thermodynamic stability) performed at Invitae indicates that this missense variant is not expected to disrupt WNT1 protein function with a negative predictive value of 80%. In summary, the available evidence is currently insufficient to determine the role of this variant in disease. Therefore, it has been classified as a Variant of Uncertain Significance.

Genome Diagnostics Laboratory, The Hospital for Sick Children
Classification: Uncertain significance for Osteogenesis imperfecta. Last evaluated: 2022-07-18. Review status: criteria provided, single submitter. Criteria: ACMG Guidelines, 2015. Collection method: clinical testing. Allele origin: germline.

NM_005430.4(WNT1):c.535C>T (p.Leu179Phe)

Gene: WNT1 (Wnt family member 1; plus strand). Cytogenetic location: 12q13.12.
Variant type: single nucleotide variant.
Coding change: c.535C>T on transcript NM_005430.4 (MANE Select); coding-DNA position 535, C replaced by T.
Protein change: p.Leu179Phe; replaces leucine 179 with phenylalanine.
Molecular consequence: missense variant.
Genome position (GRCh38, 1-based): chr12:48,980,600, C>T. VCF-style: chr12-48980600-C-T. GRCh37 (hg19) VCF-style: chr12-49374383-C-T.
Other names: short protein forms L179F.
Identifiers: ClinVar variation 1702073 (VCV001702073.9), dbSNP rs377240313, ClinGen allele CA6544414.